The following is an entry in ClinVar:

ClinVar aggregate classification (germline): Benign/Likely benign. Review status: criteria provided, multiple submitters, no conflicts (2 of 4 stars). 5 submissions from 5 submitters: Benign (1); Likely benign (3). 1 of the submissions does not count toward it. Last evaluated 2025-09-22.

Conditions:
EVC-related disorder. Also called: EVC-related condition; EVC-related disorders.
Ellis-van Creveld syndrome (EVC). Also called: MESOECTODERMAL DYSPLASIA; Chondroectodermal dysplasia. Identifiers: Orphanet 289, MedGen C0013903, MONDO:0009162, OMIM 225500.
Curry-Hall syndrome (WAD). Also called: WEYERS ACRODENTAL DYSOSTOSIS. Identifiers: Orphanet 952, MedGen C0457013, MONDO:0008673, OMIM 193530.

Allele frequency attached by ClinVar (database versions not stated): TOPMed 0.00034; gnomAD 0.00038; 1000 Genomes Project 0.00140; 1000 Genomes Project 30x 0.00141.
gnomAD v4.1: 280 of 1,613,624 alleles (0.017%); highest among the groups gnomAD compares: East Asian, 0.35%; 2 homozygotes.

Submissions (5):

Women's Health and Genetics/Laboratory Corporation of America, LabCorp
Classification: Likely benign. Last evaluated: 2025-09-22. Review status: criteria provided, single submitter. Criteria: LabCorp Variant Classification Summary - May 2015. Collection method: clinical testing. Allele origin: germline.

Blueprint Genetics
Classification: Likely benign. Last evaluated: 2024-11-25. Review status: criteria provided, single submitter. Criteria: ACMG Guidelines, 2015. Collection method: clinical testing. Allele origin: germline.

Labcorp Genetics (formerly Invitae), Labcorp
Classification: Benign for Curry-Hall syndrome; Ellis-van Creveld syndrome. Last evaluated: 2024-09-25. Review status: criteria provided, single submitter. Criteria: Invitae Variant Classification Sherloc (09022015). Collection method: clinical testing. Allele origin: germline.

Illumina Laboratory Services, Illumina
Classification: Likely benign for Ellis-van Creveld syndrome. Last evaluated: 2018-01-13. Review status: criteria provided, single submitter. Criteria: ICSL Variant Classification Criteria 13 December 2019. Collection method: clinical testing. Allele origin: germline.
Comment: This variant was observed in the ICSL laboratory as part of a predisposition screen in an ostensibly healthy population. It had not been previously curated by ICSL or reported in the Human Gene Mutation Database (HGMD: prior to June 1st, 2018), and was therefore a candidate for classification through an automated scoring system. Utilizing variant allele frequency, disease prevalence and penetrance estimates, and inheritance mode, an automated score was calculated to assess if this variant is too frequent to cause the disease. Based on the score and internal cut-off values, a variant classified as likely benign is not then subjected to further curation. The score for this variant resulted in a classification of likely benign for this disease.

PreventionGenetics, part of Exact Sciences
Classification: Likely benign for EVC-related condition. Last evaluated: 2019-02-23. Review status: no assertion criteria provided. Collection method: clinical testing. Allele origin: germline. Not counted in ClinVar's aggregate classification.
Comment: This variant is classified as likely benign based on ACMG/AMP sequence variant interpretation guidelines (Richards et al. 2015 PMID: 25741868, with internal and published modifications).

NM_153717.3(EVC):c.1995G>A (p.Ser665=)

Gene: EVC (EvC ciliary complex subunit 1; plus strand). Cytogenetic location: 4p16.2.
Variant type: single nucleotide variant.
Coding change: c.1995G>A on transcript NM_153717.3 (MANE Select); coding-DNA position 1995, G replaced by A.
Protein change: p.Ser665=; no amino-acid change (serine 665 retained).
Molecular consequence: synonymous variant.
Genome position (GRCh38, 1-based): chr4:5,797,130, G>A. VCF-style: chr4-5797130-G-A. GRCh37 (hg19) VCF-style: chr4-5798857-G-A.
Other names: c.1995G>A, p.Ser665= (NM_001306090.2).
Identifiers: ClinVar variation 349192 (VCV000349192.20), dbSNP rs142897994, ClinGen allele CA2836340.